The following is an entry in ClinVar:

NM_007294.4(BRCA1):c.5347A>T (p.Met1783Leu)

Gene: BRCA1 (BRCA1 DNA repair associated; minus strand). Cytogenetic location: 17q21.31.
Variant type: single nucleotide variant.
Coding change: c.5347A>T on transcript NM_007294.4 (MANE Select); coding-DNA position 5347, A replaced by T.
Protein change: p.Met1783Leu; replaces methionine 1783 with leucine.
Molecular consequence: missense variant. On other transcripts: non-coding transcript variant (1), intron variant (1).
Genome position (GRCh38, 1-based): chr17:43,049,180, T>A on the plus strand (A>T on the coding strand, the complement: BRCA1 is on the minus strand). VCF-style: chr17-43049180-T-A. GRCh37 (hg19) VCF-style: chr17-41201197-T-A.
Other names: c.5134A>T, p.Met1712Leu (NM_001407571.1, NM_001407894.1, NM_001407895.1 and 12 more transcripts); c.5413A>T, p.Met1805Leu (NM_001407581.1, NM_001407582.1); c.5410A>T, p.Met1804Leu (NM_001407583.1, NM_001407585.1, NM_001407587.1 and 1 more transcripts); c.5407A>T, p.Met1803Leu (NM_001407590.1, NM_001407591.1); c.5347A>T, p.Met1783Leu (NM_001407593.1, NM_001407594.1, NM_001407596.1 and 5 more transcripts); c.5344A>T, p.Met1782Leu (NM_001407610.1, NM_001407611.1, NM_001407612.1 and 14 more transcripts); c.5341A>T, p.Met1781Leu (NM_001407630.1, NM_001407631.1, NM_001407632.1 and 13 more transcripts); c.5269A>T, p.Met1757Leu (NM_001407652.1, NM_001407653.1, NM_001407654.1 and 1 more transcripts); and 73 more; short protein forms M679L, M1736L, M1783L, M1804L, M1486L, M1654L, M1670L, M1671L.
Identifiers: ClinVar variation 865370 (VCV000865370.11), dbSNP rs80357012, ClinGen allele CA10590768.

ClinVar aggregate classification (germline): Benign (1 of 4 stars; one submission).

Conditions:
Hereditary breast ovarian cancer syndrome. Also called: Hereditary breast and/or ovarian cancer syndrome; BRCA1- and BRCA2-Associated Hereditary Breast and Ovarian Cancer; Hereditary breast and ovarian cancer syndrome; Hereditary breast and ovarian cancer; Hereditary breast and ovarian cancer syndrome (HBOC); Breast and ovarian cancer. Identifiers: Orphanet 145, MedGen C0677776, MeSH D061325, MONDO:0003582. Disease mechanism: loss of function.

Submissions (2):

Labcorp Genetics (formerly Invitae), Labcorp
Classification: Benign for Hereditary breast ovarian cancer syndrome. Last evaluated: 2021-07-20. Review status: criteria provided, single submitter. Criteria: Invitae Variant Classification Sherloc (09022015). Collection method: clinical testing. Allele origin: germline.

Brotman Baty Institute, University of Washington
No classification provided (evidence only). Condition: Breast-ovarian cancer, familial 1. Review status: no classification provided. Collection method: in vitro. Allele origin: not applicable. Functional consequence: functionally_normal. Not counted in ClinVar's aggregate classification.
ClinVar note: "not provided" was previously submitted as the classification for the variant. However, the classification appeared to be based only on an observation of functional data so it was converted to no classification on 2025-07-30.